The following is an entry in ClinVar:

ClinVar aggregate classification (germline): Uncertain significance. Review status: criteria provided, multiple submitters, no conflicts (2 of 4 stars). 3 submissions from 3 submitters: Uncertain significance (3). Last evaluated 2026-04-13.

Conditions:
Hereditary cancer-predisposing syndrome. Also called: Tumor predisposition; Hereditary neoplastic syndrome; Neoplastic Syndromes, Hereditary; Hereditary Cancer Syndrome. Identifiers: Orphanet 140162, MedGen C0027672, MeSH D009386, MONDO:0015356.
Gastrointestinal stromal tumor. Also called: Gastrointestinal stroma tumor; Gastrointestinal stromal tumor, somatic. Identifiers: Orphanet 44890, MedGen C0238198, MeSH D046152, MONDO:0011719, OMIM 606764, HP:0100723.

Allele frequency attached by ClinVar (database versions not stated): gnomAD exomes below 0.00001; TOPMed below 0.00001.
gnomAD v4.1: 6 of 1,614,238 alleles (0.00037%); highest among the groups gnomAD compares: Non-Finnish European, 0.00042%; no homozygotes.

Submissions (3):

Ambry Genetics
Classification: Uncertain significance for Hereditary cancer-predisposing syndrome. Last evaluated: 2026-04-13. Review status: criteria provided, single submitter. Criteria: Ambry Variant Classification Scheme 2023. Collection method: clinical testing. Allele origin: germline.
Comment: The p.K300E variant (also known as c.898A>G), located in coding exon 5 of the PDGFRA gene, results from an A to G substitution at nucleotide position 898. The lysine at codon 300 is replaced by glutamic acid, an amino acid with similar properties. This amino acid position is highly conserved in available vertebrate species. In addition, this alteration is predicted to be tolerated by in silico analysis. Based on the available evidence, the clinical significance of this variant remains unclear.

Labcorp Genetics (formerly Invitae), Labcorp
Classification: Uncertain significance for Gastrointestinal stromal tumor. Last evaluated: 2024-06-17. Review status: criteria provided, single submitter. Criteria: Invitae Variant Classification Sherloc (09022015). Collection method: clinical testing. Allele origin: germline.
Comment: This sequence change replaces lysine, which is basic and polar, with glutamic acid, which is acidic and polar, at codon 300 of the PDGFRA protein (p.Lys300Glu). This variant is present in population databases (no rsID available, gnomAD 0.0009%). This variant has not been reported in the literature in individuals affected with PDGFRA-related conditions. ClinVar contains an entry for this variant (Variation ID: 459126). Advanced modeling of protein sequence and biophysical properties (such as structural, functional, and spatial information, amino acid conservation, physicochemical variation, residue mobility, and thermodynamic stability) performed at Invitae indicates that this missense variant is not expected to disrupt PDGFRA protein function with a negative predictive value of 80%. In summary, the available evidence is currently insufficient to determine the role of this variant in disease. Therefore, it has been classified as a Variant of Uncertain Significance.

GeneDx
Classification: Uncertain significance. Last evaluated: 2022-08-18. Review status: criteria provided, single submitter. Criteria: GeneDx Variant Classification Process June 2021. Collection method: clinical testing. Allele origin: germline. Affected: yes.
Comment: Not observed at significant frequency in large population cohorts (gnomAD); In silico analysis supports that this missense variant does not alter protein structure/function; Has not been previously published as pathogenic or benign to our knowledge

NM_006206.6(PDGFRA):c.898A>G (p.Lys300Glu)

Gene: PDGFRA (platelet derived growth factor receptor alpha; plus strand). Cytogenetic location: 4q12.
Variant type: single nucleotide variant.
Coding change: c.898A>G on transcript NM_006206.6 (MANE Select); coding-DNA position 898, A replaced by G.
Protein change: p.Lys300Glu; replaces lysine 300 with glutamic acid.
Molecular consequence: missense variant.
Genome position (GRCh38, 1-based): chr4:54,267,427, A>G. VCF-style: chr4-54267427-A-G. GRCh37 (hg19) VCF-style: chr4-55133594-A-G.
Other names: c.898A>G, p.Lys300Glu (NM_001347827.2, NM_001347829.2); c.973A>G, p.Lys325Glu (NM_001347828.2); c.937A>G, p.Lys313Glu (NM_001347830.2); short protein forms K300E, K313E, K325E.
Identifiers: ClinVar variation 459126 (VCV000459126.5), dbSNP rs996658686, ClinGen allele CA96851994.
Genomic context (GRCh38, chr4:54,267,427, plus strand): 5'-GCCACGGTGAAAGACAGTGGAGATTACGAATGTGCTGCCCGCCAGGCTACCAGGGAGGTC[A>G]AAGAAATGAAGAAAGTCACTATTTCTGTCCATGGTACATTCCGCTTTCTAAAATGTCAGT-3'
Protein context (NP_006197.1, residues 290-310): CAARQATREV[Lys300Glu]EMKKVTISVH